The following is an entry in ClinVar:

NM_001100.4(ACTA1):c.3G>A (p.Met1Ile)

Gene: ACTA1 (actin alpha 1, skeletal muscle; minus strand). Cytogenetic location: 1q42.13.
Variant type: single nucleotide variant.
Coding change: c.3G>A on transcript NM_001100.4 (MANE Select); coding-DNA position 3, G replaced by A.
Protein change: p.Met1Ile; changes the start codon (methionine 1).
Molecular consequence: missense variant, initiator codon variant.
Genome position (GRCh38, 1-based): chr1:229,433,113, C>T on the plus strand (G>A on the coding strand, the complement: ACTA1 is on the minus strand). VCF-style: chr1-229433113-C-T. GRCh37 (hg19) VCF-style: chr1-229568860-C-T.
Other names: short protein forms M1I.
Identifiers: ClinVar variation 1984506 (VCV001984506.5), dbSNP rs2527440296, ClinGen allele CA345151944.

ClinVar aggregate classification (germline): Uncertain significance (1 of 4 stars; one submission).

Conditions:
Actin accumulation myopathy (CMYO2A). Also called: Nemaline myopathy type 3; Myopathy, actin, congenital, with excess of thin myofilaments; CONGENITAL MYOPATHY 2A, TYPICAL, AUTOSOMAL DOMINANT; Myopathy, actin, congenital, with cores; Nemaline myopathy 3, with intranuclear rods. Identifiers: Orphanet 98904, MedGen C3711389, MONDO:0008070, OMIM 161800.

Submission:

Labcorp Genetics (formerly Invitae), Labcorp
Classification: Uncertain significance for Actin accumulation myopathy. Last evaluated: 2022-03-31. Review status: criteria provided, single submitter. Criteria: Invitae Variant Classification Sherloc (09022015). Collection method: clinical testing. Allele origin: germline.
Comment: This variant is not present in population databases (gnomAD no frequency). In summary, the available evidence is currently insufficient to determine the role of this variant in disease. Therefore, it has been classified as a Variant of Uncertain Significance. Experimental studies and prediction algorithms are not available or were not evaluated, and the functional significance of this variant is currently unknown. This variant has not been reported in the literature in individuals affected with ACTA1-related conditions. This sequence change affects the initiator methionine of the ACTA1 mRNA. The next in-frame methionine is located at codon 46.